The following is an entry in ClinVar:

NM_001018005.2(TPM1):c.177A>G (p.Lys59=)

Gene: TPM1 (tropomyosin 1; plus strand). Cytogenetic location: 15q22.2.
Variant type: single nucleotide variant.
Coding change: c.177A>G on transcript NM_001018005.2 (MANE Select); coding-DNA position 177, A replaced by G.
Protein change: p.Lys59=; no amino-acid change (lysine 59 retained).
Molecular consequence: synonymous variant. On other transcripts: intron variant (3).
Genome position (GRCh38, 1-based): chr15:63,044,089, A>G. VCF-style: chr15-63044089-A-G. GRCh37 (hg19) VCF-style: chr15-63336288-A-G.
Other names: c.177A>G, p.Lys59= (NM_000366.6, NM_001018004.2, NM_001018006.2 and 3 more transcripts); c.303A>G, p.Lys101= (NM_001365778.1); c.240+258A>G (NM_001018020.2, NM_001018007.2, NM_001301244.2).
Identifiers: ClinVar variation 525068 (VCV000525068.22), dbSNP rs149346709, ClinGen allele CA027790.

ClinVar aggregate classification (germline): Benign/Likely benign. Review status: criteria provided, multiple submitters, no conflicts (2 of 4 stars). 7 submissions from 7 submitters: Benign (1); Likely benign (6). Last evaluated 2026-01-12.

Conditions:
Hypertrophic cardiomyopathy. Also called: HYPERTROPHIC MYOCARDIOPATHY. Identifiers: Orphanet 217569, MedGen C0007194, MeSH D002312, MONDO:0005045, HP:0001639.
Cardiovascular phenotype. Identifiers: MedGen CN230736.
TPM1-related disorder. Also called: TPM1-related condition.
Cardiomyopathy (CMYO). Also called: Cardiomyopathies. Identifiers: Orphanet 167848, MedGen C0878544, MONDO:0004994, HP:0001638. Inheritance: Various modes of inheritance.

Allele frequency attached by ClinVar (database versions not stated): 1000 Genomes Project 30x 0.00047; gnomAD exomes 0.00002 and 0.00007; ExAC 0.00007; 1000 Genomes Project 0.00020; gnomAD 0.00028 and 0.00031; ESP Exome Variant Server 0.00031; TOPMed 0.00037.
gnomAD v4.1: 65 of 1,614,188 alleles (0.004%); highest among the groups gnomAD compares: African/African-American, 0.075%; no homozygotes.

Submissions (7):

Labcorp Genetics (formerly Invitae), Labcorp
Classification: Likely benign for Hypertrophic cardiomyopathy. Last evaluated: 2026-01-12. Review status: criteria provided, single submitter. Criteria: Invitae Variant Classification Sherloc (09022015). Collection method: clinical testing. Allele origin: germline.

Women's Health and Genetics/Laboratory Corporation of America, LabCorp
Classification: Likely benign. Last evaluated: 2026-01-02. Review status: criteria provided, single submitter. Criteria: LabCorp Variant Classification Summary - May 2015. Collection method: clinical testing. Allele origin: germline.

PreventionGenetics, part of Exact Sciences
Classification: Likely benign for TPM1-related condition. Last evaluated: 2025-03-29. Review status: criteria provided, single submitter. Criteria: ACMG Guidelines, 2015. Collection method: clinical testing. Allele origin: germline.
Comment: This variant is classified as likely benign based on ACMG/AMP sequence variant interpretation guidelines (Richards et al. 2015 PMID: 25741868, with internal and published modifications).

ARUP Laboratories, Molecular Genetics and Genomics, ARUP Laboratories
Classification: Likely benign. Last evaluated: 2024-05-15. Review status: criteria provided, single submitter. Criteria: ARUP Molecular Germline Variant Investigation Process 2024. Collection method: clinical testing. Allele origin: germline.

Color Diagnostics, LLC DBA Color Health
Classification: Likely benign for Cardiomyopathy. Last evaluated: 2019-05-13. Review status: criteria provided, single submitter. Criteria: ACMG Guidelines, 2015. Collection method: clinical testing. Allele origin: germline.

Ambry Genetics
Classification: Likely benign for Cardiovascular phenotype. Last evaluated: 2019-03-26. Review status: criteria provided, single submitter. Criteria: Ambry Variant Classification Scheme 2023. Collection method: clinical testing. Allele origin: germline.

GeneDx
Classification: Benign. Last evaluated: 2015-03-03. Review status: criteria provided, single submitter. Criteria: GeneDx Variant Classification Process June 2021. Collection method: clinical testing. Allele origin: germline. Affected: yes.